The following is an entry in ClinVar:

ClinVar aggregate classification (germline): Pathogenic (1 of 4 stars; one submission).

Conditions:
Fanconi anemia (FA). Also called: Fanconi's anemia. Identifiers: Orphanet 84, MedGen C0015625, MeSH D005199, MONDO:0019391.

Submission:

Labcorp Genetics (formerly Invitae), Labcorp
Classification: Pathogenic for Fanconi anemia. Last evaluated: 2021-08-04. Review status: criteria provided, single submitter. Criteria: Invitae Variant Classification Sherloc (09022015). Collection method: clinical testing. Allele origin: germline.
Comment: A gross deletion of the genomic region encompassing the full coding sequence of the FANCI gene has been identified. Loss-of-function variants in FANCI are known to be pathogenic (PMID: 17452773, 17460694). The boundaries of this event are unknown as they extend beyond the assayed region for this gene and therefore may encompass additional genes. This variant has not been reported in the literature in individuals affected with FANCI-related conditions. For these reasons, this variant has been classified as Pathogenic.

Literature cited by the submitters: PubMed 17452773; PubMed 17460694.

NC_000015.9:g.(?_89790873)_(89876991_?)del

Genes: FANCI (FA complementation group I; plus strand), POLG (DNA polymerase gamma, catalytic subunit; minus strand). Cytogenetic location: 15q26.1.
Variant type: Deletion.
Identifiers: ClinVar variation 1076349 (VCV001076349.6).